The following is an entry in ClinVar:

ClinVar aggregate classification (germline): Uncertain significance (1 of 4 stars; one submission).

Conditions:
Cardiomyopathy (CMYO). Also called: Cardiomyopathies. Identifiers: Orphanet 167848, MedGen C0878544, MONDO:0004994, HP:0001638. Inheritance: Various modes of inheritance.

Submission:

Color Diagnostics, LLC DBA Color Health
Classification: Uncertain significance for Cardiomyopathy. Last evaluated: 2019-11-25. Review status: criteria provided, single submitter. Criteria: ACMG Guidelines, 2015. Collection method: clinical testing. Allele origin: germline.
Comment: This missense variant replaces valine with isoleucine at codon 261 of the TMEM43 protein. Computational prediction suggests that this variant may not impact protein structure and function (internally defined REVEL score threshold <= 0.5, PMID: 27666373). Splice site prediction tools are inconclusive regarding the impact of this variant on RNA splicing. To our knowledge, functional studies have not been performed for this variant. This variant has not been reported in individuals affected with cardiovascular disorders in the literature. This variant has not been identified in the general population by the Genome Aggregation Database (gnomAD). The available evidence is insufficient to determine the role of this variant in disease conclusively. Therefore, this variant is classified as a Variant of Uncertain Significance.

NM_024334.3(TMEM43):c.781G>A (p.Val261Ile)

Gene: TMEM43 (transmembrane protein 43; plus strand). Cytogenetic location: 3p25.1.
Variant type: single nucleotide variant.
Coding change: c.781G>A on transcript NM_024334.3 (MANE Select); coding-DNA position 781, G replaced by A.
Protein change: p.Val261Ile; replaces valine 261 with isoleucine.
Molecular consequence: missense variant.
Genome position (GRCh38, 1-based): chr3:14,135,807, G>A. VCF-style: chr3-14135807-G-A. GRCh37 (hg19) VCF-style: chr3-14177307-G-A.
Other names: short protein forms V261I.
Identifiers: ClinVar variation 922879 (VCV000922879.3), dbSNP rs1695161234, ClinGen allele CA351535858.
Genomic context (GRCh38, chr3:14,135,807, plus strand): 5'-TCTCGTGGGCGTGTCTCCCGCTGGTCACCCCTCAGCTCTAACACCAGGTCCTCTGACCAG[G>A]TCACTGTGATTGCCCGGCAGCGGGGTGACCAGCTAGTCCCATTCTCCACCAAGTCTGGGG-3'
Protein context (NP_077310.1, residues 251-271): DDPDLGPAHV[Val261Ile]TVIARQRGDQ